The following is an entry in ClinVar:

NM_015915.5(ATL1):c.610A>G (p.Thr204Ala)

Gene: ATL1 (atlastin GTPase 1; plus strand). Cytogenetic location: 14q22.1.
Variant type: single nucleotide variant.
Coding change: c.610A>G on transcript NM_015915.5 (MANE Select); coding-DNA position 610, A replaced by G.
Protein change: p.Thr204Ala; replaces threonine 204 with alanine.
Molecular consequence: missense variant.
Genome position (GRCh38, 1-based): chr14:50,595,612, A>G. VCF-style: chr14-50595612-A-G. GRCh37 (hg19) VCF-style: chr14-51062330-A-G.
Other names: c.610A>G, p.Thr204Ala (NM_001127713.1, NM_181598.4); short protein forms T204A.
Identifiers: ClinVar variation 5040349 (VCV005040349.1).
Genomic context (GRCh38, chr14:50,595,612, plus strand): 5'-GTGTGTGTGTAATTTTTTTTCTAGCTTTTCACTGAGTATGGCAGACTGGCAATGGAGGAA[A>G]CATTCCTGAAGCCATTTCAGGTGAGCGAGTGTTAAATGATGGTAAATTCTTACTAGATTT-3'
Protein context (NP_056999.2, residues 194-214): TEYGRLAMEE[Thr204Ala]FLKPFQSLIF

ClinVar aggregate classification (germline): Uncertain significance (1 of 4 stars; one submission).

Submission:

CeGaT Center for Human Genetics Tuebingen
Classification: Uncertain significance. Last evaluated: 2026-07-01. Review status: criteria provided, single submitter. Criteria: CeGaT Center For Human Genetics Tuebingen Variant Classification Criteria Version 2. Collection method: clinical testing. Allele origin: germline. Affected: yes. Observed: 1 variant allele.
Comment: ATL1: PM2, PP2